The following is an entry in ClinVar:

ClinVar aggregate classification (germline): Uncertain significance (1 of 4 stars; one submission).

Allele frequency attached by ClinVar (database versions not stated): ExAC 0.00001; TOPMed 0.00001.

Submission:

Ambry Genetics
Classification: Uncertain significance. Last evaluated: 2022-01-15. Review status: criteria provided, single submitter. Criteria: Ambry Variant Classification Scheme 2023. Collection method: clinical testing. Allele origin: germline.
Comment: The p.S1313R variant (also known as c.3939C>G), located in coding exon 4 of the ALPK2 gene, results from a C to G substitution at nucleotide position 3939. The serine at codon 1313 is replaced by arginine, an amino acid with dissimilar properties. This amino acid position is conserved. In addition, this alteration is predicted to be tolerated by in silico analysis. Since supporting evidence is limited at this time, the clinical significance of this alteration remains unclear.

NM_052947.4(ALPK2):c.3939C>G (p.Ser1313Arg)

Genes: ALPK2 (alpha kinase 2; minus strand), LOC126862764 (BRD4-independent group 4 enhancer GRCh37_chr18:56202574-56203773; plus strand). Cytogenetic location: 18q21.31.
Variant type: single nucleotide variant.
Coding change: c.3939C>G on transcript NM_052947.4 (MANE Select); coding-DNA position 3939, C replaced by G.
Protein change: p.Ser1313Arg; replaces serine 1313 with arginine.
Molecular consequence: missense variant.
Genome position (GRCh38, 1-based): chr18:58,536,248, G>C on the plus strand (C>G on the coding strand, the complement: ALPK2 is on the minus strand). VCF-style: chr18-58536248-G-C. GRCh37 (hg19) VCF-style: chr18-56203480-G-C.
Other names: short protein forms S1313R.
Identifiers: ClinVar variation 1736309 (VCV001736309.2), dbSNP rs762889961, ClinGen allele CA8976807.
Genomic context (GRCh38, chr18:58,536,248, plus strand): 5'-GAAACCCCGGGAAGAAAGACTTCTCCAATGTACACTGATGGTGGGCTCTTCGCCTTTATG[G>C]CTTTCTCTGCTATCAGCAAGGGCTGACTCAGCATCCTCTGGACTGTGAGCCAATGCTGCT-3'
Protein context (NP_443179.3, residues 1303-1323): AESALADSRE[Ser1313Arg]HKGEEPTISV